The following is an entry in ClinVar:

ClinVar aggregate classification (germline): Pathogenic. Review status: no assertion criteria provided (0 of 4 stars). 2 submissions from 2 submitters: Pathogenic (2). Last evaluated 2021-08-04.

Conditions:
Autosomal recessive Robinow syndrome (RRS1). Also called: ROR2-Related Robinow Syndrome; ROBINOW SYNDROME, AUTOSOMAL RECESSIVE 1; COSTOVERTEBRAL SEGMENTATION DEFECT WITH MESOMELIA; COVESDEM SYNDROME. Identifiers: Orphanet 1507, Orphanet 97360, MedGen C5399974, MONDO:0009999, OMIM 268310.

Submissions (2):

Department of Molecular Biology and Genetics, Acibadem University
Classification: Pathogenic for Autosomal recessive Robinow syndrome. Last evaluated: 2021-08-04. Review status: no assertion criteria provided. Collection method: research. Allele origin: inherited. Inheritance: Autosomal recessive inheritance. Affected: yes.

Indian Institute of Integrative Medicine, Council of Scientific and Industrial Research
Classification: Pathogenic for Autosomal recessive Robinow syndrome. Last evaluated: 2021-04-10. Review status: no assertion criteria provided. Collection method: research. Allele origin: germline. Affected: yes. Observed: 4 variant alleles.
Comment: Candidate homozygous variant segregating well with the disease phenotype. The cases (03) represent the Robino syndrome clinically with brachysyndactyly.

The ROR2:c.1353_1360del (rs1365019676); NP_004551.2:p.M452Afs*4 variant was observed in 4 individuals, the homozygous condition of the candidate variant in three individuals well segregated with the disease phenotype (i.e., Robinow syndrome with brachysyndactyly). The disease condition in the family inherited through autosomal recessive type of inheritance.

NM_004560.4(ROR2):c.1353_1360del (p.Met452fs)

Gene: ROR2 (receptor tyrosine kinase like orphan receptor 2; minus strand). Cytogenetic location: 9q22.31.
Variant type: Deletion.
Coding change: c.1353_1360del on transcript NM_004560.4 (MANE Select); coding-DNA positions 1353 to 1360, 8 bases deleted (CATGGAAA; older notation c.1353_1360delCATGGAAA).
Protein change: p.Met452fs; shifts the reading frame from methionine 452.
Molecular consequence: frameshift variant. On other transcripts: 3 prime UTR variant (1).
Genome position (GRCh38, 1-based): chr9:91,726,567-91,726,574, TTTCCATG deleted on the plus strand (CATGGAAA on the coding strand, the reverse complement: ROR2 is on the minus strand); deleting any 8 consecutive bases within chr9:91,726,567-91,726,575 gives the same sequence; the c. name uses the placement nearest the transcript's 3' end. VCF-style (leftmost placement, unchanged base first): chr9-91726566-ATTTCCATG-A. GRCh37 (hg19) VCF-style: chr9-94488848-ATTTCCATG-A.
Other names: p.M452fs; p.M452Afs*4; c.*20_*27del (NM_001318204.2); short protein forms M452fs.
Identifiers: ClinVar variation 1188826 (VCV001188826.6), dbSNP rs1365019676, ClinGen allele CA589578564.